The following is an entry in ClinVar:

NM_005188.4(CBL):c.444-3T>C

Gene: CBL (Cbl proto-oncogene; plus strand). Cytogenetic location: 11q23.3.
Variant type: single nucleotide variant.
Coding change: c.444-3T>C on transcript NM_005188.4 (MANE Select); 3 bases into the intron before coding-DNA position 444, T replaced by C.
Molecular consequence: intron variant.
Genome position (GRCh38, 1-based): chr11:119,271,732, T>C. VCF-style: chr11-119271732-T-C. GRCh37 (hg19) VCF-style: chr11-119142442-T-C.
Identifiers: ClinVar variation 2122722 (VCV002122722.4), dbSNP rs2496927260, ClinGen allele CA2580083640.
Genomic context (GRCh38, chr11:119,271,732, plus strand): 5'-TTTGGTGCATTTAAAATAAAAATAATTTTATGTGTTTAATTATTGCATTCTGATCATTTG[T>C]AGGCGAAACCTAACCAAACTGTCCCTCATCTTCAGCCACATGCTGGCAGAACTAAAAGGA-3'

ClinVar aggregate classification (germline): Uncertain significance (1 of 4 stars; one submission).

Conditions:
RASopathy. Also called: rasopathies; Noonan spectrum disorder. Identifiers: Orphanet 536391, MedGen C5555857, MONDO:0021060.

Submission:

Labcorp Genetics (formerly Invitae), Labcorp
Classification: Uncertain significance for RASopathy. Last evaluated: 2022-04-07. Review status: criteria provided, single submitter. Criteria: Invitae Variant Classification Sherloc (09022015). Collection method: clinical testing. Allele origin: germline.
Comment: This sequence change falls in intron 2 of the CBL gene. It does not directly change the encoded amino acid sequence of the CBL protein. It affects a nucleotide within the consensus splice site. This variant is not present in population databases (gnomAD no frequency). This variant has not been reported in the literature in individuals affected with CBL-related conditions. Variants that disrupt the consensus splice site are a relatively common cause of aberrant splicing (PMID: 17576681, 9536098). Algorithms developed to predict the effect of sequence changes on RNA splicing suggest that this variant may disrupt the consensus splice site. In summary, the available evidence is currently insufficient to determine the role of this variant in disease. Therefore, it has been classified as a Variant of Uncertain Significance.

Literature cited by the submitters: PubMed 17576681; PubMed 9536098.